The following is an entry in ClinVar:

ClinVar aggregate classification (germline): Uncertain significance (1 of 4 stars; one submission).

Submission:

Labcorp Genetics (formerly Invitae), Labcorp
Classification: Uncertain significance. Last evaluated: 2023-08-04. Review status: criteria provided, single submitter. Criteria: Invitae Variant Classification Sherloc (09022015). Collection method: clinical testing. Allele origin: germline.
Comment: In summary, the available evidence is currently insufficient to determine the role of this variant in disease. Therefore, it has been classified as a Variant of Uncertain Significance. An algorithm developed to predict the effect of missense changes on protein structure and function (PolyPhen-2) suggests that this variant is likely to be tolerated. This variant has not been reported in the literature in individuals affected with IL12RB2-related conditions. This variant is not present in population databases (gnomAD no frequency). This sequence change replaces leucine, which is neutral and non-polar, with phenylalanine, which is neutral and non-polar, at codon 689 of the IL12RB2 protein (p.Leu689Phe).

NM_001374259.2(IL12RB2):c.2067G>C (p.Leu689Phe)

Gene: IL12RB2 (interleukin 12 receptor subunit beta 2; plus strand). Cytogenetic location: 1p31.3.
Variant type: single nucleotide variant.
Coding change: c.2067G>C on transcript NM_001374259.2 (MANE Select); coding-DNA position 2067, G replaced by C.
Protein change: p.Leu689Phe; replaces leucine 689 with phenylalanine.
Molecular consequence: missense variant. On other transcripts: non-coding transcript variant (2).
Genome position (GRCh38, 1-based): chr1:67,395,567, G>C. VCF-style: chr1-67395567-G-C. GRCh37 (hg19) VCF-style: chr1-67861250-G-C.
Other names: c.1967G>C, p.Trp656Ser (NM_001258214.1, NM_001319233.1); c.1809G>C, p.Leu603Phe (NM_001258215.1); c.1876G>C, p.Gly626Arg (NM_001258216.1); c.2067G>C, p.Leu689Phe (NM_001559.3); short protein forms L603F, W656S, G626R, L689F.
Identifiers: ClinVar variation 2804114 (VCV002804114.3), dbSNP rs2523550794, ClinGen allele CA340734581.